The following is an entry in ClinVar:

ClinVar aggregate classification (germline): Uncertain significance (1 of 4 stars; one submission).

Conditions:
Combined immunodeficiency due to MALT1 deficiency. Also called: Immunodeficiency 12. Identifiers: Orphanet 397964, MedGen C3809583, MONDO:0014197, OMIM 615468.

gnomAD v4.1: 1 of 1,614,204 alleles (0.000062%); highest among the groups gnomAD compares: Non-Finnish European, 0.000085%; no homozygotes.

Submission:

Labcorp Genetics (formerly Invitae), Labcorp
Classification: Uncertain significance for Combined immunodeficiency due to MALT1 deficiency. Last evaluated: 2023-07-07. Review status: criteria provided, single submitter. Criteria: Invitae Variant Classification Sherloc (09022015). Collection method: clinical testing. Allele origin: germline.
Comment: In summary, the available evidence is currently insufficient to determine the role of this variant in disease. Therefore, it has been classified as a Variant of Uncertain Significance. Algorithms developed to predict the effect of missense changes on protein structure and function output the following: SIFT: "Not Available"; PolyPhen-2: "Benign"; Align-GVGD: "Not Available". The glutamine amino acid residue is found in multiple mammalian species, which suggests that this missense change does not adversely affect protein function. ClinVar contains an entry for this variant (Variation ID: 1392699). This variant has not been reported in the literature in individuals affected with MALT1-related conditions. This variant is not present in population databases (gnomAD no frequency). This sequence change replaces histidine, which is basic and polar, with glutamine, which is neutral and polar, at codon 778 of the MALT1 protein (p.His778Gln).

NM_006785.4(MALT1):c.2334T>G (p.His778Gln)

Gene: MALT1 (MALT1 paracaspase; plus strand). Cytogenetic location: 18q21.32.
Variant type: single nucleotide variant.
Coding change: c.2334T>G on transcript NM_006785.4 (MANE Select); coding-DNA position 2334, T replaced by G.
Protein change: p.His778Gln; replaces histidine 778 with glutamine.
Molecular consequence: missense variant.
Genome position (GRCh38, 1-based): chr18:58,747,701, T>G. VCF-style: chr18-58747701-T-G. GRCh37 (hg19) VCF-style: chr18-56414933-T-G.
Other names: c.2301T>G, p.His767Gln (NM_173844.3); short protein forms H778Q, H767Q.
Identifiers: ClinVar variation 1392699 (VCV001392699.8), dbSNP rs752917364, ClinGen allele CA402577169.